The following is an entry in ClinVar:

ClinVar aggregate classification (germline): Uncertain significance (1 of 4 stars; one submission).

Conditions:
Autosomal dominant childhood-onset proximal spinal muscular atrophy with contractures (SMALED2A). Also called: Spinal muscular atrophy, lower extremity-predominant, 2A, autosomal dominant; SPINAL MUSCULAR ATROPHY, LOWER EXTREMITY-PREDOMINANT, 2A, CHILDHOOD ONSET, AUTOSOMAL DOMINANT. Identifiers: Orphanet 363447, Orphanet 363454, MedGen C4747715, MONDO:0014121, OMIM 615290.

Submission:

Labcorp Genetics (formerly Invitae), Labcorp
Classification: Uncertain significance for Autosomal dominant childhood-onset proximal spinal muscular atrophy with contractures. Last evaluated: 2023-11-27. Review status: criteria provided, single submitter. Criteria: Invitae Variant Classification Sherloc (09022015). Collection method: clinical testing. Allele origin: germline.
Comment: This sequence change replaces leucine, which is neutral and non-polar, with valine, which is neutral and non-polar, at codon 29 of the BICD2 protein (p.Leu29Val). This variant is not present in population databases (gnomAD no frequency). This variant has not been reported in the literature in individuals affected with BICD2-related conditions. ClinVar contains an entry for this variant (Variation ID: 1962871). Advanced modeling of protein sequence and biophysical properties (such as structural, functional, and spatial information, amino acid conservation, physicochemical variation, residue mobility, and thermodynamic stability) performed at Invitae indicates that this missense variant is not expected to disrupt BICD2 protein function with a negative predictive value of 80%. In summary, the available evidence is currently insufficient to determine the role of this variant in disease. Therefore, it has been classified as a Variant of Uncertain Significance.

NM_001003800.2(BICD2):c.85C>G (p.Leu29Val)

Gene: BICD2 (BICD cargo adaptor 2; minus strand). Cytogenetic location: 9q22.31.
Variant type: single nucleotide variant.
Coding change: c.85C>G on transcript NM_001003800.2 (MANE Select); coding-DNA position 85, C replaced by G.
Protein change: p.Leu29Val; replaces leucine 29 with valine.
Molecular consequence: missense variant.
Genome position (GRCh38, 1-based): chr9:92,764,660, G>C on the plus strand (C>G on the coding strand, the complement: BICD2 is on the minus strand). VCF-style: chr9-92764660-G-C. GRCh37 (hg19) VCF-style: chr9-95526942-G-C.
Other names: c.85C>G, p.Leu29Val (NM_015250.4); short protein forms L29V.
Identifiers: ClinVar variation 1962871 (VCV001962871.5), dbSNP rs2537622280, ClinGen allele CA374032714.